The following is an entry in ClinVar:

NM_007294.4(BRCA1):c.547+1113_547+1114insA

Gene: BRCA1 (BRCA1 DNA repair associated; minus strand). Cytogenetic location: 17q21.31.
Variant type: Insertion.
Coding change: c.547+1113_547+1114insA on transcript NM_007294.4 (MANE Select); bases 1113 to 1114 of the intron after coding-DNA position 547, A inserted.
Molecular consequence: intron variant.
Genome position: GRCh38 VCF-style: chr17-43098661-C-CT. GRCh37 (hg19) VCF-style: chr17-41250678-C-CT.
Other names: IVS 8+1113insA; c.406+1113_406+1114insA (NM_001408458.1, NM_001407922.1, NM_001408469.1 and 61 more transcripts); c.-218-3802_-218-3801insA (NM_001407967.1, NM_001407966.1); c.166+1113_166+1114insA (NM_001407959.1, NM_001408512.1, NM_001408510.1 and 3 more transcripts); c.403+1113_403+1114insA (NM_001407931.1, NM_001407747.1, NM_001408470.1 and 35 more transcripts); c.163+1113_163+1114insA (NM_001407962.1); c.337+1113_337+1114insA (NM_001407885.1, NM_001407886.1, NM_001407881.1 and 37 more transcripts); c.544+1113_544+1114insA (NM_001407686.1, NM_001408397.1, NM_001407632.1 and 65 more transcripts); and 6 more.
Identifiers: ClinVar variation 209458 (VCV000209458.2), dbSNP rs35693790, ClinGen allele CA276429.

ClinVar aggregate classification (germline): Benign (3 of 4 stars; one submission).

Conditions:
Breast-ovarian cancer, familial, susceptibility to, 1 (BROVCA1). Also called: BRCA1 Hereditary Breast and Ovarian Cancer; OVARIAN CANCER, SUSCEPTIBILITY TO. Identifiers: Orphanet 145, MedGen C2676676, MONDO:0011450, OMIM 604370. Disease mechanism: loss of function.

Allele frequency attached by ClinVar (database versions not stated): TOPMed 0.30006; gnomAD 0.30762; 1000 Genomes Project 0.35264.

Submission:

Evidence-based Network for the Interpretation of Germline Mutant Alleles (ENIGMA)
Classification: Benign for Breast-ovarian cancer, familial 1. Last evaluated: 2015-01-12. Review status: reviewed by expert panel. Criteria: ENIGMA BRCA1/2 Classification Criteria (2015). Collection method: curation. Allele origin: germline.
Comment: Class 1 not pathogenic based on frequency >1% in an outbred sampleset. Frequency 0.32 (Asian), 0.22 (African), 0.35 (European), derived from 1000 genomes (2012-04-30).